The following is an entry in ClinVar:

ClinVar aggregate classification (germline): Uncertain significance (1 of 4 stars; one submission).

Allele frequency attached by ClinVar (database versions not stated): gnomAD exomes below 0.00001; TOPMed below 0.00001; gnomAD 0.00001; ESP Exome Variant Server 0.00008.
gnomAD v4.1: 2 of 1,613,872 alleles (0.00012%); highest among the groups gnomAD compares: African/African-American, 0.0027%; no homozygotes.

Submission:

Labcorp Genetics (formerly Invitae), Labcorp
Classification: Uncertain significance. Last evaluated: 2022-07-13. Review status: criteria provided, single submitter. Criteria: Invitae Variant Classification Sherloc (09022015). Collection method: clinical testing. Allele origin: germline.
Comment: This sequence change replaces glycine, which is neutral and non-polar, with alanine, which is neutral and non-polar, at codon 1420 of the ASXL1 protein (p.Gly1420Ala). This variant is not present in population databases (gnomAD no frequency). This variant has not been reported in the literature in individuals affected with ASXL1-related conditions. Algorithms developed to predict the effect of missense changes on protein structure and function are either unavailable or do not agree on the potential impact of this missense change (SIFT: "Tolerated"; PolyPhen-2: "Probably Damaging"; Align-GVGD: "Class C0"). In summary, the available evidence is currently insufficient to determine the role of this variant in disease. Therefore, it has been classified as a Variant of Uncertain Significance.

NM_015338.6(ASXL1):c.4259G>C (p.Gly1420Ala)

Gene: ASXL1 (ASXL transcriptional regulator 1; plus strand). Cytogenetic location: 20q11.21.
Variant type: single nucleotide variant.
Coding change: c.4259G>C on transcript NM_015338.6 (MANE Select); coding-DNA position 4259, G replaced by C.
Protein change: p.Gly1420Ala; replaces glycine 1420 with alanine.
Molecular consequence: missense variant.
Genome position (GRCh38, 1-based): chr20:32,436,971, G>C. VCF-style: chr20-32436971-G-C. GRCh37 (hg19) VCF-style: chr20-31024774-G-C.
Other names: c.4076G>C, p.Gly1359Ala (NM_001363734.1); short protein forms G1359A, G1420A.
Identifiers: ClinVar variation 2187095 (VCV002187095.4), dbSNP rs140396659, ClinGen allele CA313926382.